The following is an entry in ClinVar:

ClinVar aggregate classification (germline): Benign. Review status: criteria provided, multiple submitters, no conflicts (2 of 4 stars). 5 submissions from 3 submitters: Benign (5). Last evaluated 2018-07-15.

Conditions:
Polydactyly. Also called: polydactylism. Identifiers: MedGen C0152427, MONDO:0021003, OMIM 603596, HP:0010442.
Pallister-Hall syndrome (PHS). Also called: GLI3-Related Pallister-Hall Syndrome; HYPOTHALAMIC HAMARTOBLASTOMA, HYPOPITUITARISM, IMPERFORATE ANUS, AND POSTAXIAL POLYDACTYLY. Identifiers: Orphanet 672, MedGen C0265220, MONDO:0007804, OMIM 146510.
Greig cephalopolysyndactyly syndrome (GCPS). Also called: GLI3-Related Greig Cephalopolysyndactyly Syndrome; POLYSYNDACTYLY WITH PECULIAR SKULL SHAPE; Greig syndrome. Identifiers: Orphanet 380, MedGen C0265306, MONDO:0008287, OMIM 175700.

Allele frequency attached by ClinVar (database versions not stated): ExAC 0.03744; ESP Exome Variant Server 0.04053; 1000 Genomes Project 30x 0.01843; 1000 Genomes Project 0.01957; TOPMed 0.03263; gnomAD 0.03485 and 0.03497; gnomAD exomes 0.03720.
gnomAD v4.1: 78,512 of 1,604,184 alleles (4.9%); highest among the groups gnomAD compares: Non-Finnish European, 5.6%; 2,175 homozygotes.

Submissions (5):

GeneDx
Classification: Benign. Last evaluated: 2018-07-15. Review status: criteria provided, single submitter. Criteria: GeneDx Variant Classification Process June 2021. Collection method: clinical testing. Allele origin: germline. Affected: yes.

Illumina Laboratory Services, Illumina
Classification: Benign for Polydactyly. Last evaluated: 2018-01-12. Review status: criteria provided, single submitter. Criteria: ICSL Variant Classification Criteria 13 December 2019. Collection method: clinical testing. Allele origin: germline.
Comment: This variant was observed in the ICSL laboratory as part of a predisposition screen in an ostensibly healthy population. It had not been previously curated by ICSL or reported in the Human Gene Mutation Database (HGMD: prior to June 1st, 2018), and was therefore a candidate for classification through an automated scoring system. Utilizing variant allele frequency, disease prevalence and penetrance estimates, and inheritance mode, an automated score was calculated to assess if this variant is too frequent to cause the disease. Based on the score and internal cut-off values, a variant classified as benign is not then subjected to further curation. The score for this variant resulted in a classification of benign for this disease.

Illumina Laboratory Services, Illumina
Classification: Benign for Pallister-Hall syndrome. Last evaluated: 2018-01-12. Review status: criteria provided, single submitter. Criteria: ICSL Variant Classification Criteria 13 December 2019. Collection method: clinical testing. Allele origin: germline.
Comment: the same text as in the submission from Illumina Laboratory Services, Illumina above.

Illumina Laboratory Services, Illumina
Classification: Benign for Greig cephalopolysyndactyly syndrome. Last evaluated: 2018-01-12. Review status: criteria provided, single submitter. Criteria: ICSL Variant Classification Criteria 13 December 2019. Collection method: clinical testing. Allele origin: germline.
Comment: the same text as in the submission from Illumina Laboratory Services, Illumina above.

PreventionGenetics, part of Exact Sciences
Classification: Benign. Review status: criteria provided, single submitter. Criteria: ACMG Guidelines, 2015. Collection method: clinical testing. Allele origin: germline.

NM_000168.6(GLI3):c.*30G>T

Gene: GLI3 (GLI family zinc finger 3; minus strand). Cytogenetic location: 7p14.1.
Variant type: single nucleotide variant.
Coding change: c.*30G>T on transcript NM_000168.6 (MANE Select); 30 bases downstream of the stop codon, G replaced by T.
Molecular consequence: 3 prime UTR variant.
Genome position (GRCh38, 1-based): chr7:41,964,300, C>A on the plus strand (G>T on the coding strand, the complement: GLI3 is on the minus strand). VCF-style: chr7-41964300-C-A. GRCh37 (hg19) VCF-style: chr7-42003898-C-A.
Identifiers: ClinVar variation 255413 (VCV000255413.9), dbSNP rs77886553, ClinGen allele CA4230051.